The following is an entry in ClinVar:

ClinVar aggregate classification (germline): Likely benign (1 of 4 stars; one submission).

Allele frequency attached by ClinVar (database versions not stated): ExAC 0.00005; TOPMed 0.00005; gnomAD 0.00007; gnomAD exomes 0.00014.
gnomAD v4.1: 155 of 1,209,539 alleles (0.013%); highest among the groups gnomAD compares: East Asian, 0.018%; no homozygotes.

Submission:

CeGaT Center for Human Genetics Tuebingen
Classification: Likely benign. Last evaluated: 2023-03-01. Review status: criteria provided, single submitter. Criteria: CeGaT Center For Human Genetics Tuebingen Variant Classification Criteria Version 2. Collection method: clinical testing. Allele origin: germline. Affected: yes. Observed: 1 variant allele.
Comment: CT47B1: BP4, BP7

NM_001145718.3(CT47B1):c.351G>A (p.Ala117=)

Gene: CT47B1 (cancer/testis antigen family 47 member B1; minus strand). Cytogenetic location: Xq24.
Variant type: single nucleotide variant.
Coding change: c.351G>A on transcript NM_001145718.3 (MANE Select); coding-DNA position 351, G replaced by A.
Protein change: p.Ala117=; no amino-acid change (alanine 117 retained).
Molecular consequence: synonymous variant.
Genome position (GRCh38, 1-based): chrX:120,875,320, C>T on the plus strand (G>A on the coding strand, the complement: CT47B1 is on the minus strand). VCF-style: chrX-120875320-C-T. GRCh37 (hg19) VCF-style: chrX-120009174-C-T.
Identifiers: ClinVar variation 2661338 (VCV002661338.24), dbSNP rs763507932, ClinGen allele CA10506275.